The following is an entry in ClinVar:

ClinVar aggregate classification (germline): Likely benign (1 of 4 stars; one submission).

Conditions:
ITGB4-related disorder. Also called: ITGB4-related condition.

gnomAD v4.1: 126 of 1,613,026 alleles (0.0078%); highest among the groups gnomAD compares: African/African-American, 0.011%; no homozygotes.

Submission:

PreventionGenetics, part of Exact Sciences
Classification: Likely benign for ITGB4-related condition. Last evaluated: 2025-10-27. Review status: criteria provided, single submitter. Criteria: ACMG Guidelines, 2015. Collection method: clinical testing. Allele origin: germline.
Comment: This variant is classified as likely benign based on ACMG/AMP sequence variant interpretation guidelines (Richards et al. 2015 PMID: 25741868, with internal and published modifications).

NM_000213.5(ITGB4):c.5337G>A (p.Leu1779=)

Genes: GALK1 (galactokinase 1; minus strand), ITGB4 (integrin subunit beta 4; plus strand). Cytogenetic location: 17q25.1.
Variant type: single nucleotide variant.
Coding change: c.5337G>A on transcript NM_000213.5 (MANE Select); coding-DNA position 5337, G replaced by A.
Protein change: p.Leu1779=; no amino-acid change (leucine 1779 retained).
Molecular consequence: synonymous variant. On other transcripts: intron variant (1).
Genome position (GRCh38, 1-based): chr17:75,757,423, G>A. VCF-style: chr17-75757423-G-A. GRCh37 (hg19) VCF-style: chr17-73753504-G-A.
Other names: c.5286G>A, p.Leu1762= (NM_001005619.2); c.5127G>A, p.Leu1709= (NM_001005731.3, NM_001321123.2); c.4977G>A, p.Leu1659= (NM_001438834.1); c.*22+611C>T (NM_001381985.1).
Identifiers: ClinVar variation 4980173 (VCV004980173.1).